The following is an entry in ClinVar:

ClinVar aggregate classification (germline): Conflicting classifications of pathogenicity. Review status: criteria provided, conflicting classifications (1 of 4 stars). 4 submissions from 4 submitters: Pathogenic (1); Likely pathogenic (1); Uncertain significance (1). 1 of the submissions does not count toward it. Last evaluated 2022-05-21.

Conditions:
Seizure. Also called: Seizures. Identifiers: MedGen C0036572, HP:0001250.
Early-infantile DEE. Also called: Ohtahara syndrome; Early infantile epileptic encephalopathy; Early infantile epileptic encephalopathy with suppression bursts. Identifiers: Orphanet 1934, MedGen C0393706, MONDO:0800491.
Seizures, benign familial neonatal, 1. Also called: Benign Neonatal Epilepsy 1; KCNQ2-Related Benign Familial Neonatal Epilepsy; KCNQ2-Related Self-Limited Familial Neonatal Epilepsy (SLFNE); Seizures, benign neonatal, 1. Identifiers: Orphanet 1949, MedGen C3149074, MONDO:0007365, OMIM 121200.
Developmental and epileptic encephalopathy, 7 (DEE7). Also called: Early infantile epileptic encephalopathy 7; KCNQ2-Related Neonatal Epileptic Encephalopathy; KCNQ2-Related Neonatal-Onset Developmental and Epileptic Encephalopathy (NEO-DEE). Identifiers: Orphanet 439218, MedGen C3150986, MONDO:0013387, OMIM 613720.

Submissions (4):

Labcorp Genetics (formerly Invitae), Labcorp
Classification: Pathogenic for Early-infantile DEE. Last evaluated: 2022-05-21. Review status: criteria provided, single submitter. Criteria: Invitae Variant Classification Sherloc (09022015). Collection method: clinical testing. Allele origin: germline.
Comment: This missense change has been observed in individual(s) with KCNQ2-related conditions (PMID: 34711204). In at least one individual the variant was observed to be de novo. For these reasons, this variant has been classified as Pathogenic. This variant disrupts the p.Ser223 amino acid residue in KCNQ2. Other variant(s) that disrupt this residue have been determined to be pathogenic (PMID: 28133863; Invitae). This suggests that this residue is clinically significant, and that variants that disrupt this residue are likely to be disease-causing. Advanced modeling of protein sequence and biophysical properties (such as structural, functional, and spatial information, amino acid conservation, physicochemical variation, residue mobility, and thermodynamic stability) performed at Invitae indicates that this missense variant is expected to disrupt KCNQ2 protein function. ClinVar contains an entry for this variant (Variation ID: 1326326). This variant is not present in population databases (gnomAD no frequency). This sequence change replaces serine, which is neutral and polar, with phenylalanine, which is neutral and non-polar, at codon 223 of the KCNQ2 protein (p.Ser223Phe).

Center for Molecular Medicine, Children’s Hospital of Fudan University
Classification: Likely pathogenic for Seizures, benign familial neonatal, 1; Developmental and epileptic encephalopathy, 7. Last evaluated: 2021-11-01. Review status: criteria provided, single submitter. Criteria: ACMG Guidelines, 2015. Collection method: clinical testing. Allele origin: unknown. Affected: yes.

Blueprint Genetics
Classification: Uncertain significance. Last evaluated: 2017-11-06. Review status: criteria provided, single submitter. Criteria: ACMG Guidelines, 2015. Collection method: clinical testing. Allele origin: germline.

Diagnostic Laboratory, Strasbourg University Hospital
Classification: Likely pathogenic for Seizure. Review status: no assertion criteria provided. Collection method: clinical testing. Allele origin: germline. Affected: yes. Observed: 1 heterozygote. Not counted in ClinVar's aggregate classification.

Literature cited by the submitters: PubMed 34711204 (cited by Labcorp Genetics (formerly Invitae), Labcorp); PubMed 28133863 (cited by Labcorp Genetics (formerly Invitae), Labcorp).

NM_172107.4(KCNQ2):c.668C>T (p.Ser223Phe)

Gene: KCNQ2 (potassium voltage-gated channel subfamily Q member 2; minus strand). Cytogenetic location: 20q13.33.
Variant type: single nucleotide variant.
Coding change: c.668C>T on transcript NM_172107.4 (MANE Select); coding-DNA position 668, C replaced by T.
Protein change: p.Ser223Phe; replaces serine 223 with phenylalanine.
Molecular consequence: missense variant.
Genome position (GRCh38, 1-based): chr20:63,444,681, G>A on the plus strand (C>T on the coding strand, the complement: KCNQ2 is on the minus strand). VCF-style: chr20-63444681-G-A. GRCh37 (hg19) VCF-style: chr20-62076034-G-A.
Other names: c.668C>T (NM_172107.2); c.668C>T, p.Ser223Phe (NM_001382235.1, NM_004518.6, NM_172106.3 and 2 more transcripts); short protein forms S223F.
Identifiers: ClinVar variation 1326326 (VCV001326326.11), dbSNP rs2145774638, ClinGen allele CA409654681.